The following is an entry in ClinVar:

NM_022458.4(LMBR1):c.901C>A (p.Leu301Ile)

Gene: LMBR1 (limb development membrane protein 1; minus strand). Cytogenetic location: 7q36.3.
Variant type: single nucleotide variant.
Coding change: c.901C>A on transcript NM_022458.4 (MANE Select); coding-DNA position 901, C replaced by A.
Protein change: p.Leu301Ile; replaces leucine 301 with isoleucine.
Molecular consequence: missense variant. On other transcripts: non-coding transcript variant (1).
Genome position (GRCh38, 1-based): chr7:156,728,658, G>T on the plus strand (C>A on the coding strand, the complement: LMBR1 is on the minus strand). VCF-style: chr7-156728658-G-T. GRCh37 (hg19) VCF-style: chr7-156521352-G-T.
Other names: c.1024C>A, p.Leu342Ile (NM_001350953.2, NM_001363409.2); c.622C>A, p.Leu208Ile (NM_001350954.2); c.445C>A, p.Leu149Ile (NM_001350955.2, NM_001350956.2, NM_001350958.2 and 1 more transcripts); c.532C>A, p.Leu178Ile (NM_001350957.2, NM_001363411.2); c.901C>A, p.Leu301Ile (NM_001363410.2); c.838C>A, p.Leu280Ile (NM_001363412.2); short protein forms L149I, L178I, L208I, L280I, L301I, L342I.
Identifiers: ClinVar variation 4281531 (VCV004281531.7).

ClinVar aggregate classification (germline): Uncertain significance (1 of 4 stars; one submission).

gnomAD v4.1: 2 of 1,596,928 alleles (0.00013%); highest among the groups gnomAD compares: East Asian, 0.0023%; no homozygotes.

Submission:

CeGaT Center for Human Genetics Tuebingen
Classification: Uncertain significance. Last evaluated: 2025-09-01. Review status: criteria provided, single submitter. Criteria: CeGaT Center For Human Genetics Tuebingen Variant Classification Criteria Version 2. Collection method: clinical testing. Allele origin: germline. Affected: yes. Observed: 1 variant allele.
Comment: LMBR1: PM2